The following is an entry in ClinVar:

ClinVar aggregate classification (germline): Uncertain significance. Review status: criteria provided, multiple submitters, no conflicts (2 of 4 stars). 2 submissions from 2 submitters: Uncertain significance (2). Last evaluated 2024-02-10.

Allele frequency attached by ClinVar (database versions not stated): gnomAD 0.00001 and 0.00002; gnomAD exomes 0.00001; TOPMed 0.00001; ExAC 0.00006; 1000 Genomes Project 0.00026; 1000 Genomes Project 30x 0.00042.
gnomAD v4.1: 9 of 1,123,332 alleles (0.0008%); highest among the groups gnomAD compares: South Asian, 0.012%; no homozygotes.

Submissions (2):

Labcorp Genetics (formerly Invitae), Labcorp
Classification: Uncertain significance. Last evaluated: 2024-02-10. Review status: criteria provided, single submitter. Criteria: Invitae Variant Classification Sherloc (09022015). Collection method: clinical testing. Allele origin: germline.
Comment: This sequence change replaces arginine, which is basic and polar, with cysteine, which is neutral and slightly polar, at codon 153 of the NYX protein (p.Arg153Cys). The frequency data for this variant in the population databases is considered unreliable, as metrics indicate poor data quality at this position in the gnomAD database. This variant has not been reported in the literature in individuals affected with NYX-related conditions. ClinVar contains an entry for this variant (Variation ID: 1035369). Advanced modeling of protein sequence and biophysical properties (such as structural, functional, and spatial information, amino acid conservation, physicochemical variation, residue mobility, and thermodynamic stability) has been performed at Invitae for this missense variant, however the output from this modeling did not meet the statistical confidence thresholds required to predict the impact of this variant on NYX protein function. In summary, the available evidence is currently insufficient to determine the role of this variant in disease. Therefore, it has been classified as a Variant of Uncertain Significance.

Blueprint Genetics
Classification: Uncertain significance. Last evaluated: 2021-07-01. Review status: criteria provided, single submitter. Criteria: ACMG Guidelines, 2015. Collection method: clinical testing. Allele origin: germline.

NM_001378477.3(NYX):c.442C>T (p.Arg148Cys)

Gene: NYX (nyctalopin; plus strand). Cytogenetic location: Xp11.4.
Variant type: single nucleotide variant.
Coding change: c.442C>T on transcript NM_001378477.3 (MANE Select); coding-DNA position 442, C replaced by T.
Protein change: p.Arg148Cys; replaces arginine 148 with cysteine.
Molecular consequence: missense variant.
Genome position (GRCh38, 1-based): chrX:41,473,910, C>T. VCF-style: chrX-41473910-C-T. GRCh37 (hg19) VCF-style: chrX-41333163-C-T.
Other names: c.442C>T, p.Arg148Cys (NM_022567.3); short protein forms R148C.
Identifiers: ClinVar variation 1035369 (VCV001035369.10), dbSNP rs772547248, ClinGen allele CA10389823.